The following is an entry in ClinVar:

NM_002880.4(RAF1):c.1247A>G (p.Asn416Ser)

Gene: RAF1 (Raf-1 proto-oncogene, serine/threonine kinase; minus strand). Cytogenetic location: 3p25.2.
Variant type: single nucleotide variant.
Coding change: c.1247A>G on transcript NM_002880.4 (MANE Select); coding-DNA position 1247, A replaced by G.
Protein change: p.Asn416Ser; replaces asparagine 416 with serine.
Molecular consequence: missense variant. On other transcripts: non-coding transcript variant (3).
Genome position (GRCh38, 1-based): chr3:12,590,921, T>C on the plus strand (A>G on the coding strand, the complement: RAF1 is on the minus strand). VCF-style: chr3-12590921-T-C. GRCh37 (hg19) VCF-style: chr3-12632420-T-C.
Other names: c.1307A>G, p.Asn436Ser (NM_001354689.3); c.1247A>G, p.Asn416Ser (NM_001354690.3); c.1004A>G, p.Asn335Ser (NM_001354691.3, NM_001354692.3); c.1148A>G, p.Asn383Ser (NM_001354693.3); c.1064A>G, p.Asn355Ser (NM_001354694.3); c.905A>G, p.Asn302Ser (NM_001354695.3); short protein forms N335S, N383S, N416S, N436S, N302S, N355S.
Identifiers: ClinVar variation 654777 (VCV000654777.18), dbSNP rs774198365, ClinGen allele CA2259549.

ClinVar aggregate classification (germline): Conflicting classifications of pathogenicity. Review status: criteria provided, conflicting classifications (1 of 4 stars). 5 submissions from 5 submitters: Uncertain significance (2); Likely benign (3). Last evaluated 2026-01-18.

Conditions:
RASopathy. Also called: rasopathies; Noonan spectrum disorder. Identifiers: Orphanet 536391, MedGen C5555857, MONDO:0021060.
Cardiovascular phenotype. Identifiers: MedGen CN230736.

Allele frequency attached by ClinVar (database versions not stated): ExAC 0.00001; gnomAD 0.00001; TOPMed 0.00001; gnomAD exomes 0.00002 and 0.00004.
gnomAD v4.1: 54 of 1,613,688 alleles (0.0033%); highest among the groups gnomAD compares: East Asian, 0.0045%; no homozygotes.

Submissions (5):

Labcorp Genetics (formerly Invitae), Labcorp
Classification: Likely benign for RASopathy. Last evaluated: 2026-01-18. Review status: criteria provided, single submitter. Criteria: Invitae Variant Classification Sherloc (09022015). Collection method: clinical testing. Allele origin: germline.

Ambry Genetics
Classification: Uncertain significance for Cardiovascular phenotype. Last evaluated: 2025-08-28. Review status: criteria provided, single submitter. Criteria: Ambry Variant Classification Scheme 2023. Collection method: clinical testing. Allele origin: germline.
Comment: The p.N416S variant (also known as c.1247A>G), located in coding exon 11 of the RAF1 gene, results from an A to G substitution at nucleotide position 1247. The asparagine at codon 416 is replaced by serine, an amino acid with highly similar properties. This amino acid position is well conserved in available vertebrate species. In addition, this alteration is predicted to be tolerated by in silico analysis. Since supporting evidence is limited at this time, the clinical significance of this alteration remains unclear.

Blueprint Genetics
Classification: Likely benign. Last evaluated: 2024-09-30. Review status: criteria provided, single submitter. Criteria: ACMG Guidelines, 2015. Collection method: clinical testing. Allele origin: germline.

Women's Health and Genetics/Laboratory Corporation of America, LabCorp
Classification: Uncertain significance. Last evaluated: 2022-04-17. Review status: criteria provided, single submitter. Criteria: LabCorp Variant Classification Summary - May 2015. Collection method: clinical testing. Allele origin: germline.

GeneDx
Classification: Likely benign. Last evaluated: 2019-03-13. Review status: criteria provided, single submitter. Criteria: GeneDx Variant Classification Process June 2021. Collection method: clinical testing. Allele origin: germline. Affected: yes.